The following is an entry in ClinVar:

ClinVar aggregate classification (germline): Conflicting classifications of pathogenicity. Review status: criteria provided, conflicting classifications (1 of 4 stars). 2 submissions from 2 submitters: Uncertain significance (1); Likely benign (1). Last evaluated 2025-04-13.

Allele frequency attached by ClinVar (database versions not stated): gnomAD 0.00001; gnomAD exomes 0.00001; TOPMed 0.00001; ExAC 0.00002; ESP Exome Variant Server 0.00008.
gnomAD v4.1: 15 of 1,613,862 alleles (0.00093%); highest among the groups gnomAD compares: African/African-American, 0.0013%; no homozygotes.

Submissions (2):

Labcorp Genetics (formerly Invitae), Labcorp
Classification: Uncertain significance. Last evaluated: 2025-04-13. Review status: criteria provided, single submitter. Criteria: Invitae Variant Classification Sherloc (09022015). Collection method: clinical testing. Allele origin: germline.
Comment: This sequence change affects codon 601 of the BUB1 mRNA. It is a 'silent' change, meaning that it does not change the encoded amino acid sequence of the BUB1 protein. This variant is present in population databases (rs150818164, gnomAD 0.004%). This variant has not been reported in the literature in individuals affected with BUB1-related conditions. ClinVar contains an entry for this variant (Variation ID: 1780435). Experimental studies and prediction algorithms are not available or were not evaluated, and the effect of this variant on mRNA splicing is currently unknown. In summary, the available evidence is currently insufficient to determine the role of this variant in disease. Therefore, it has been classified as a Variant of Uncertain Significance.

Ambry Genetics
Classification: Likely benign. Last evaluated: 2022-02-21. Review status: criteria provided, single submitter. Criteria: Ambry Variant Classification Scheme 2023. Collection method: clinical testing. Allele origin: germline.

NM_004336.5(BUB1):c.1803A>G (p.Thr601=)

Gene: BUB1 (BUB1 mitotic checkpoint serine/threonine kinase; minus strand). Cytogenetic location: 2q13.
Variant type: single nucleotide variant.
Coding change: c.1803A>G on transcript NM_004336.5 (MANE Select); coding-DNA position 1803, A replaced by G.
Protein change: p.Thr601=; no amino-acid change (threonine 601 retained).
Molecular consequence: synonymous variant.
Genome position (GRCh38, 1-based): chr2:110,655,812, T>C on the plus strand (A>G on the coding strand, the complement: BUB1 is on the minus strand). VCF-style: chr2-110655812-T-C. GRCh37 (hg19) VCF-style: chr2-111413389-T-C.
Other names: c.1743A>G, p.Thr581= (NM_001278616.2); c.1803A>G, p.Thr601= (NM_001278617.2).
Identifiers: ClinVar variation 1780435 (VCV001780435.3), dbSNP rs150818164, ClinGen allele CA1827968.
Genomic context (GRCh38, chr2:110,655,812, plus strand): 5'-AATGTGCACTGACTCCACTGGAAGCTTGTGGAATGGTGTAGACGCAAGTTGTGCAGCAGA[T>C]GTGAAGTCTCCTGGGCTCTTAGGACTGGGTGCCAGGGTTTTGTTGCAGCGAATACCCCAT-3'
Protein context (NP_004327.1, residues 591-611): APSPKSPGDF[Thr601=]SAAQLASTPF